The following is an entry in ClinVar:

NM_006031.6(PCNT):c.5481A>C (p.Ala1827=)

Gene: PCNT (pericentrin; plus strand). Cytogenetic location: 21q22.3.
Variant type: single nucleotide variant.
Coding change: c.5481A>C on transcript NM_006031.6 (MANE Select); coding-DNA position 5481, A replaced by C.
Protein change: p.Ala1827=; no amino-acid change (alanine 1827 retained).
Molecular consequence: synonymous variant.
Genome position (GRCh38, 1-based): chr21:46,411,554, A>C. VCF-style: chr21-46411554-A-C. GRCh37 (hg19) VCF-style: chr21-47831468-A-C.
Other names: c.5127A>C, p.Ala1709= (NM_001315529.2).
Identifiers: ClinVar variation 4990956 (VCV004990956.1).

ClinVar aggregate classification (germline): Likely benign (1 of 4 stars; one submission).

Conditions:
PCNT-related disorder. Also called: PCNT-related condition.

Submission:

PreventionGenetics, part of Exact Sciences
Classification: Likely benign for PCNT-related condition. Last evaluated: 2026-09-25. Review status: criteria provided, single submitter. Criteria: ACMG Guidelines, 2015. Collection method: clinical testing. Allele origin: germline.
Comment: This variant is classified as likely benign based on ACMG/AMP sequence variant interpretation guidelines (Richards et al. 2015 PMID: 25741868, with internal and published modifications).